The following is an entry in ClinVar:

ClinVar aggregate classification (germline): Conflicting classifications of pathogenicity. Review status: criteria provided, conflicting classifications (1 of 4 stars). 6 submissions from 6 submitters: Uncertain significance (5); Likely benign (1). Last evaluated 2026-08-01.

Conditions:
Autosomal dominant nonsyndromic hearing loss 28. Identifiers: Orphanet 90635, MedGen C1837640, MONDO:0012083, OMIM 608641.
Corneal dystrophy, posterior polymorphous, 4. Identifiers: MedGen C4747961, MONDO:0054832, OMIM 618031.
Nail and teeth abnormalities-marginal palmoplantar keratoderma-oral hyperpigmentation syndrome. Also called: Ectodermal dysplasia/short stature syndrome. Identifiers: Orphanet 423454, MedGen C4014987, MONDO:0014460, OMIM 616029.

Allele frequency attached by ClinVar (database versions not stated): TOPMed 0.00013; gnomAD 0.00014 and 0.00015; 1000 Genomes Project 30x 0.00016; 1000 Genomes Project 0.00020; gnomAD exomes 0.00021 and 0.00023; ExAC 0.00029; ESP Exome Variant Server 0.00031.
gnomAD v4.1: 327 of 1,614,158 alleles (0.02%); highest among the groups gnomAD compares: Non-Finnish European, 0.023%; no homozygotes.

Submissions (6):

CeGaT Center for Human Genetics Tuebingen
Classification: Likely benign. Last evaluated: 2026-08-01. Review status: criteria provided, single submitter. Criteria: CeGaT Center For Human Genetics Tuebingen Variant Classification Criteria Version 2. Collection method: clinical testing. Allele origin: germline. Affected: yes. Observed: 1 variant allele.
Comment: GRHL2: BS2

GeneDx
Classification: Uncertain significance. Last evaluated: 2025-06-12. Review status: criteria provided, single submitter. Criteria: GeneDx Variant Classification Process June 2021. Collection method: clinical testing. Allele origin: germline. Affected: yes.
Comment: In silico analysis suggests that this missense variant does not alter protein structure/function; Has not been previously published as pathogenic or benign in association with GRHL2-related disorders to our knowledge; This variant is associated with the following publications: (PMID: 36596879)

Blueprint Genetics
Classification: Uncertain significance. Last evaluated: 2024-10-15. Review status: criteria provided, single submitter. Criteria: ACMG Guidelines, 2015. Collection method: clinical testing. Allele origin: germline.

Labcorp Genetics (formerly Invitae), Labcorp
Classification: Uncertain significance. Last evaluated: 2024-06-24. Review status: criteria provided, single submitter. Criteria: Invitae Variant Classification Sherloc (09022015). Collection method: clinical testing. Allele origin: germline.
Comment: This sequence change replaces arginine, which is basic and polar, with glutamine, which is neutral and polar, at codon 183 of the GRHL2 protein (p.Arg183Gln). This variant is present in population databases (rs142411476, gnomAD 0.04%). This variant has not been reported in the literature in individuals affected with GRHL2-related conditions. ClinVar contains an entry for this variant (Variation ID: 178378). Advanced modeling of protein sequence and biophysical properties (such as structural, functional, and spatial information, amino acid conservation, physicochemical variation, residue mobility, and thermodynamic stability) performed at Invitae indicates that this missense variant is not expected to disrupt GRHL2 protein function with a negative predictive value of 80%. In summary, the available evidence is currently insufficient to determine the role of this variant in disease. Therefore, it has been classified as a Variant of Uncertain Significance.

Fulgent Genetics
Classification: Uncertain significance for Autosomal dominant nonsyndromic hearing loss 28; Nail and teeth abnormalities-marginal palmoplantar keratoderma-oral hyperpigmentation syndrome; Corneal dystrophy, posterior polymorphous, 4. Last evaluated: 2021-10-21. Review status: criteria provided, single submitter. Criteria: ACMG Guidelines, 2015. Collection method: clinical testing. Allele origin: unknown.

Laboratory for Molecular Medicine, Mass General Brigham Personalized Medicine
Classification: Uncertain significance. Last evaluated: 2015-11-12. Review status: criteria provided, single submitter. Criteria: LMM Criteria. Collection method: clinical testing. Allele origin: germline. Observed: 2 variant alleles.
Comment: Variant classified as Uncertain Significance - Favor Benign. It has been identified in 27/66684 European chromosomes by the E xome Aggregation Consortium (ExAC; dbSNP rs14241 1476). Computational prediction tools and conservation analysis suggest that the p.Arg183Gln variant may not impact the protein, though this information is not predictive enough to rule out pathogenicity. In summary, while the clinical sign ificance of the p.Arg183Gln variant is uncertain, these data suggest that it is more likely to be benign.

NM_024915.4(GRHL2):c.548G>A (p.Arg183Gln)

Gene: GRHL2 (grainyhead like transcription factor 2; plus strand). Cytogenetic location: 8q22.3.
Variant type: single nucleotide variant.
Coding change: c.548G>A on transcript NM_024915.4 (MANE Select); coding-DNA position 548, G replaced by A.
Protein change: p.Arg183Gln; replaces arginine 183 with glutamine.
Molecular consequence: missense variant.
Genome position (GRCh38, 1-based): chr8:101,558,682, G>A. VCF-style: chr8-101558682-G-A. GRCh37 (hg19) VCF-style: chr8-102570910-G-A.
Other names: c.500G>A, p.Arg167Gln (NM_001330593.2); short protein forms R183Q, R167Q.
Identifiers: ClinVar variation 178378 (VCV000178378.15), dbSNP rs142411476, ClinGen allele CA182215.